The following is an entry in ClinVar:

NM_198578.4(LRRK2):c.3373C>A (p.Pro1125Thr)

Gene: LRRK2 (leucine rich repeat kinase 2; plus strand). Cytogenetic location: 12q12.
Variant type: single nucleotide variant.
Coding change: c.3373C>A on transcript NM_198578.4 (MANE Select); coding-DNA position 3373, C replaced by A.
Protein change: p.Pro1125Thr; replaces proline 1125 with threonine.
Molecular consequence: missense variant.
Genome position (GRCh38, 1-based): chr12:40,299,134, C>A. VCF-style: chr12-40299134-C-A. GRCh37 (hg19) VCF-style: chr12-40692936-C-A.
Other names: short protein forms P1125T.
Identifiers: ClinVar variation 1730751 (VCV001730751.2), dbSNP rs1555185452, ClinGen allele CA384415528.

ClinVar aggregate classification (germline): Uncertain significance (1 of 4 stars; one submission).

Conditions:
Inborn genetic diseases. Identifiers: MedGen C0950123, MeSH D030342.

Allele frequency attached by ClinVar (database versions not stated): gnomAD exomes below 0.00001.
gnomAD v4.1: 1 of 1,612,834 alleles (0.000062%); highest among the groups gnomAD compares: Non-Finnish European, 0.000085%; no homozygotes.

Submission:

Ambry Genetics
Classification: Uncertain significance for Inborn genetic diseases. Last evaluated: 2022-08-23. Review status: criteria provided, single submitter. Criteria: Ambry Variant Classification Scheme 2023. Collection method: clinical testing. Allele origin: germline.
Comment: The p.P1125T variant (also known as c.3373C>A), located in coding exon 25 of the LRRK2 gene, results from a C to A substitution at nucleotide position 3373. The proline at codon 1125 is replaced by threonine, an amino acid with highly similar properties. This amino acid position is conserved. In addition, this alteration is predicted to be tolerated by in silico analysis. Since supporting evidence is limited at this time, the clinical significance of this alteration remains unclear.